The following is an entry in ClinVar:

ClinVar aggregate classification (germline): Uncertain significance. Review status: criteria provided, multiple submitters, no conflicts (2 of 4 stars). 2 submissions from 2 submitters: Uncertain significance (2). Last evaluated 2024-10-21.

Conditions:
Congenital heart defects and skeletal malformations syndrome. Identifiers: Orphanet 643503, MedGen C4539857, MONDO:0060532, OMIM 617602.

Allele frequency attached by ClinVar (database versions not stated): gnomAD exomes below 0.00001.
gnomAD v4.1: 1 of 1,614,156 alleles (0.000062%); highest among the groups gnomAD compares: East Asian, 0.0022%; no homozygotes.

Submissions (2):

Labcorp Genetics (formerly Invitae), Labcorp
Classification: Uncertain significance. Last evaluated: 2024-10-21. Review status: criteria provided, single submitter. Criteria: Invitae Variant Classification Sherloc (09022015). Collection method: clinical testing. Allele origin: germline.
Comment: This sequence change replaces threonine, which is neutral and polar, with serine, which is neutral and polar, at codon 123 of the ABL1 protein (p.Thr123Ser). This variant is not present in population databases (gnomAD no frequency). This variant has not been reported in the literature in individuals affected with ABL1-related conditions. ClinVar contains an entry for this variant (Variation ID: 1493549). Invitae Evidence Modeling of protein sequence and biophysical properties (such as structural, functional, and spatial information, amino acid conservation, physicochemical variation, residue mobility, and thermodynamic stability) indicates that this missense variant is not expected to disrupt ABL1 protein function with a negative predictive value of 80%. In summary, the available evidence is currently insufficient to determine the role of this variant in disease. Therefore, it has been classified as a Variant of Uncertain Significance.

Clinical Genomics Laboratory, Washington University in St. Louis
Classification: Uncertain significance for Congenital heart defects and skeletal malformations syndrome. Last evaluated: 2023-07-17. Review status: criteria provided, single submitter. Criteria: ACMG Guidelines, 2015. Collection method: clinical testing. Allele origin: germline.
Comment: The ABL1 c.311C>G (p.Thr104Ser) variant, to our knowledge, has not been reported in the medical literature This variant has been reported in the ClinVar database as a germline variant of uncertain significance by one submitter. This variant is absent from the general population (gnomAD v.2.1.1), indicating it is not a common variant. Computational predictors suggest that the variant does not impact ABL1 function. Due to limited information, and based on ACMG/AMP guidelines for variant interpretation (Richards S et al., PMID: 25741868), the clinical significance of this variant is uncertain at this time.

NM_005157.6(ABL1):c.311C>G (p.Thr104Ser)

Gene: ABL1 (ABL proto-oncogene 1, non-receptor tyrosine kinase; plus strand). Cytogenetic location: 9q34.12.
Variant type: single nucleotide variant.
Coding change: c.311C>G on transcript NM_005157.6 (MANE Select); coding-DNA position 311, C replaced by G.
Protein change: p.Thr104Ser; replaces threonine 104 with serine.
Molecular consequence: missense variant.
Genome position (GRCh38, 1-based): chr9:130,854,858, C>G. VCF-style: chr9-130854858-C-G. GRCh37 (hg19) VCF-style: chr9-133730245-C-G.
Other names: c.368C>G, p.Thr123Ser (NM_007313.3); short protein forms T104S, T123S.
Identifiers: ClinVar variation 1493549 (VCV001493549.7), dbSNP rs2132957851, ClinGen allele CA375257884.